The following is an entry in ClinVar:

ClinVar aggregate classification (germline): Conflicting classifications of pathogenicity. Review status: criteria provided, conflicting classifications (1 of 4 stars). 4 submissions from 4 submitters: Uncertain significance (1); Likely benign (3). Last evaluated 2026-05-01.

Conditions:
Cardiovascular phenotype. Identifiers: MedGen CN230736.
Duchenne muscular dystrophy (DMD). Also called: MUSCULAR DYSTROPHY, PSEUDOHYPERTROPHIC PROGRESSIVE, DUCHENNE TYPE; Duchenne Muscular Dystrophy (DMD). Identifiers: Orphanet 98896, MedGen C0013264, MONDO:0010679, OMIM 310200.

Allele frequency attached by ClinVar (database versions not stated): ExAC 0.00001; gnomAD exomes 0.00002 and 0.00005; TOPMed 0.00003.
gnomAD v4.1: 55 of 1,209,808 alleles (0.0045%); highest among the groups gnomAD compares: Non-Finnish European, 0.0058%; no homozygotes.

Submissions (4):

CeGaT Center for Human Genetics Tuebingen
Classification: Likely benign. Last evaluated: 2026-05-01. Review status: criteria provided, single submitter. Criteria: CeGaT Center For Human Genetics Tuebingen Variant Classification Criteria Version 2. Collection method: clinical testing. Allele origin: germline. Affected: yes. Observed: 1 variant allele.
Comment: DMD: BP4, BS2

Labcorp Genetics (formerly Invitae), Labcorp
Classification: Likely benign for Duchenne muscular dystrophy. Last evaluated: 2026-01-20. Review status: criteria provided, single submitter. Criteria: Invitae Variant Classification Sherloc (09022015). Collection method: clinical testing. Allele origin: germline.

Ambry Genetics
Classification: Likely benign for Cardiovascular phenotype. Last evaluated: 2025-04-11. Review status: criteria provided, single submitter. Criteria: Ambry Variant Classification Scheme 2023. Collection method: clinical testing. Allele origin: germline.

GeneDx
Classification: Uncertain significance. Last evaluated: 2015-07-15. Review status: criteria provided, single submitter. Criteria: GeneDx Variant Classification (06012015). Collection method: clinical testing. Allele origin: germline. Affected: yes.
Comment: The D1699E variant has not been published as a mutation, nor has it been reported as a benign polymorphism to our knowledge. The D1699E variant was not observed in approximately 6,500 individuals of European and African American ancestry in the NHLBI Exome Sequencing Project, indicating it is not a common benign variant in these populations. However, the D1699E variant is a conservative amino acid substitution, which is not likely to impact secondary protein structure as these residues share similar properties. This substitution occurs at a position where Glutamic acid is tolerated in multiple species. In silico analysis is inconsistent in its predictions as to whether or not the variant is damaging to the protein structure/function. Furthermore, missense mutations in nearby residues have not been reported in the Human Gene Mutation Database (Stenson et al., 2014), indicating this region of the protein may be tolerant of change.Therefore, based on the currently available information, it is unclear whether this variant is a pathogenic mutation or a rare benign variant

NM_004006.3(DMD):c.5097C>A (p.Asp1699Glu)

Gene: DMD (dystrophin; minus strand). Cytogenetic location: Xp21.1.
Variant type: single nucleotide variant.
Coding change: c.5097C>A on transcript NM_004006.3 (MANE Select); coding-DNA position 5097, C replaced by A.
Protein change: p.Asp1699Glu; replaces aspartic acid 1699 with glutamic acid.
Molecular consequence: missense variant.
Genome position (GRCh38, 1-based): chrX:32,364,639, G>T on the plus strand (C>A on the coding strand, the complement: DMD is on the minus strand). VCF-style: chrX-32364639-G-T. GRCh37 (hg19) VCF-style: chrX-32382756-G-T.
Other names: p.D1699E:GAC>GAA; c.5073C>A, p.Asp1691Glu (NM_000109.4); c.5085C>A, p.Asp1695Glu (NM_004009.3); c.4728C>A, p.Asp1576Glu (NM_004010.3); c.1074C>A, p.Asp358Glu (NM_004011.4); c.1065C>A, p.Asp355Glu (NM_004012.4); short protein forms D1699E, D1695E, D358E, D1691E, D355E, D1576E.
Identifiers: ClinVar variation 201735 (VCV000201735.17), dbSNP rs763028318, ClinGen allele CA308355.